The following is an entry in ClinVar:

ClinVar aggregate classification (germline): Likely benign (0 of 4 stars; one submission).

Conditions:
ZC3H4-related disorder. Also called: ZC3H4-related condition.

Allele frequency attached by ClinVar (database versions not stated): ExAC 0.00032; gnomAD 0.00040; TOPMed 0.00044; 1000 Genomes Project 30x 0.00047; ESP Exome Variant Server 0.00056; 1000 Genomes Project 0.00060.
gnomAD v4.1: 588 of 1,606,206 alleles (0.037%); highest among the groups gnomAD compares: African/African-American, 0.055%; 1 homozygote.

Submission:

PreventionGenetics, part of Exact Sciences
Classification: Likely benign for ZC3H4-related condition. Last evaluated: 2020-02-14. Review status: no assertion criteria provided. Collection method: clinical testing. Allele origin: germline.
Comment: This variant is classified as likely benign based on ACMG/AMP sequence variant interpretation guidelines (Richards et al. 2015 PMID: 25741868, with internal and published modifications).

NM_015168.2(ZC3H4):c.2352G>A (p.Ala784=)

Gene: ZC3H4 (zinc finger CCCH-type containing 4; minus strand). Cytogenetic location: 19q13.32.
Variant type: single nucleotide variant.
Coding change: c.2352G>A on transcript NM_015168.2 (MANE Select); coding-DNA position 2352, G replaced by A.
Protein change: p.Ala784=; no amino-acid change (alanine 784 retained).
Molecular consequence: synonymous variant.
Genome position (GRCh38, 1-based): chr19:47,069,138, C>T on the plus strand (G>A on the coding strand, the complement: ZC3H4 is on the minus strand). VCF-style: chr19-47069138-C-T. GRCh37 (hg19) VCF-style: chr19-47572395-C-T.
Identifiers: ClinVar variation 3051712 (VCV003051712.2), dbSNP rs202116030, ClinGen allele CA9534917.